The following is an entry in ClinVar:

NM_014845.6(FIG4):c.1770C>T (p.Ser590=)

Gene: FIG4 (FIG4 phosphoinositide 5-phosphatase; plus strand). Cytogenetic location: 6q21.
Variant type: single nucleotide variant.
Coding change: c.1770C>T on transcript NM_014845.6 (MANE Select); coding-DNA position 1770, C replaced by T.
Protein change: p.Ser590=; no amino-acid change (serine 590 retained).
Molecular consequence: synonymous variant.
Genome position (GRCh38, 1-based): chr6:109,776,941, C>T. VCF-style: chr6-109776941-C-T. GRCh37 (hg19) VCF-style: chr6-110098144-C-T.
Identifiers: ClinVar variation 392435 (VCV000392435.3), dbSNP rs1057524489, ClinGen allele CA16604953.

ClinVar aggregate classification (germline): Likely benign. Review status: criteria provided, multiple submitters, no conflicts (2 of 4 stars). 2 submissions from 2 submitters: Likely benign (2). Last evaluated 2019-07-11.

Conditions:
Inborn genetic diseases. Identifiers: MedGen C0950123, MeSH D030342.

Submissions (2):

Ambry Genetics
Classification: Likely benign for Inborn genetic diseases. Last evaluated: 2019-07-11. Review status: criteria provided, single submitter. Criteria: Ambry Variant Classification Scheme 2023. Collection method: clinical testing. Allele origin: germline.

GeneDx
Classification: Likely benign. Last evaluated: 2017-01-05. Review status: criteria provided, single submitter. Criteria: GeneDx Variant Classification (06012015). Collection method: clinical testing. Allele origin: germline. Affected: yes.
Comment: This variant is considered likely benign or benign based on one or more of the following criteria: it is a conservative change, it occurs at a poorly conserved position in the protein, it is predicted to be benign by multiple in silico algorithms, and/or has population frequency not consistent with disease.